The following is an entry in ClinVar:

NM_000426.4(LAMA2):c.1027+1G>C

Gene: LAMA2 (laminin subunit alpha 2; plus strand). Cytogenetic location: 6q22.33.
Variant type: single nucleotide variant.
Coding change: c.1027+1G>C on transcript NM_000426.4 (MANE Select); the canonical splice donor site of the intron after coding-DNA position 1027, G replaced by C.
Molecular consequence: splice donor variant.
Genome position (GRCh38, 1-based): chr6:129,149,097, G>C. VCF-style: chr6-129149097-G-C. GRCh37 (hg19) VCF-style: chr6-129470242-G-C.
Other names: c.1027+1G>C (NM_001079823.2).
Identifiers: ClinVar variation 2091310 (VCV002091310.4), dbSNP rs1064797327, ClinGen allele CA365606743.

ClinVar aggregate classification (germline): Pathogenic (1 of 4 stars; one submission).

Conditions:
LAMA2-related muscular dystrophy (LAMA2-RD). Also called: Laminin alpha 2-related dystrophy. Identifiers: MedGen C5679788, MONDO:0100228.

Submission:

Labcorp Genetics (formerly Invitae), Labcorp
Classification: Pathogenic for LAMA2-related muscular dystrophy. Last evaluated: 2022-09-01. Review status: criteria provided, single submitter. Criteria: Invitae Variant Classification Sherloc (09022015). Collection method: clinical testing. Allele origin: germline.
Comment: For these reasons, this variant has been classified as Pathogenic. Algorithms developed to predict the effect of sequence changes on RNA splicing suggest that this variant may disrupt the consensus splice site. Disruption of this splice site has been observed in individual(s) with clinical features of LAMA2-related muscular dystrophy (Invitae). In at least one individual the data is consistent with being in trans (on the opposite chromosome) from a pathogenic variant. This variant is not present in population databases (gnomAD no frequency). This sequence change affects a donor splice site in intron 7 of the LAMA2 gene. It is expected to disrupt RNA splicing. Variants that disrupt the donor or acceptor splice site typically lead to a loss of protein function (PMID: 16199547), and loss-of-function variants in LAMA2 are known to be pathogenic (PMID: 18700894, 32904964).

Literature cited by the submitters: PubMed 16199547; PubMed 18700894; PubMed 32904964.